The following is an entry in ClinVar:

NM_000051.4(ATM):c.6613T>G (p.Trp2205Gly)

Genes: ATM (ATM serine/threonine kinase; plus strand), C11orf65 (chromosome 11 open reading frame 65; minus strand). Cytogenetic location: 11q22.3.
Variant type: single nucleotide variant.
Coding change: c.6613T>G on transcript NM_000051.4 (MANE Select); coding-DNA position 6613, T replaced by G.
Protein change: p.Trp2205Gly; replaces tryptophan 2205 with glycine.
Molecular consequence: missense variant. On other transcripts: intron variant (2).
Genome position (GRCh38, 1-based): chr11:108,325,350, T>G. VCF-style: chr11-108325350-T-G. GRCh37 (hg19) VCF-style: chr11-108196077-T-G.
Other names: c.6613T>G, p.Trp2205Gly (NM_001351834.2); c.641-16279A>C (NM_001330368.2); c.*38+9870A>C (NM_001351110.2); short protein forms W2205G.
Identifiers: ClinVar variation 3451181 (VCV003451181.1).
Genomic context (GRCh38, chr11:108,325,350, plus strand): 5'-CTCTATGTCGTGGCATTCAGATCAGTCACACATAGACAACTCTCTGAAGTATATATTAAG[T>G]GGCAGAAACACTCCCAGCTTCTCAAGGACAGTGATTTTAGTTTTCAGGAGCCTATCATGG-3'
Protein context (NP_000042.3, residues 2195-2215): HRQLSEVYIK[Trp2205Gly]QKHSQLLKDS

ClinVar aggregate classification (germline): Uncertain significance (1 of 4 stars; one submission).

Conditions:
Hereditary cancer-predisposing syndrome. Also called: Tumor predisposition; Hereditary Cancer Syndrome; Neoplastic Syndromes, Hereditary; Hereditary neoplastic syndrome. Identifiers: Orphanet 140162, MedGen C0027672, MeSH D009386, MONDO:0015356.

gnomAD v4.1: 2 of 1,612,734 alleles (0.00012%); highest among the groups gnomAD compares: Non-Finnish European, 0.00017%; no homozygotes.

Submission:

Ambry Genetics
Classification: Uncertain significance for Hereditary cancer-predisposing syndrome. Last evaluated: 2024-09-08. Review status: criteria provided, single submitter. Criteria: Ambry Variant Classification Scheme 2023. Collection method: clinical testing. Allele origin: germline.
Comment: The p.W2205G variant (also known as c.6613T>G), located in coding exon 45 of the ATM gene, results from a T to G substitution at nucleotide position 6613. The tryptophan at codon 2205 is replaced by glycine, an amino acid with highly dissimilar properties. This amino acid position is conserved. In addition, this alteration is predicted to be deleterious by in silico analysis. Based on the available evidence, the clinical significance of this variant remains unclear.